The following is an entry in ClinVar:

ClinVar aggregate classification (germline): Pathogenic (1 of 4 stars; one submission).

Conditions:
Inborn genetic diseases. Identifiers: MedGen C0950123, MeSH D030342.

Submission:

Ambry Genetics
Classification: Pathogenic for Inborn genetic diseases. Last evaluated: 2024-12-03. Review status: criteria provided, single submitter. Criteria: Ambry Variant Classification Scheme 2023. Collection method: clinical testing. Allele origin: germline.
Comment: The c.193G>T (p.E65*) alteration, located in exon 3 (coding exon 3) of the HDAC8 gene, consists of a G to T substitution at nucleotide position 193. This changes the amino acid from a glutamic acid (E) to a stop codon at amino acid position 65. This alteration is expected to result in loss of function by premature protein truncation or nonsense-mediated mRNA decay. This variant was not reported in population-based cohorts in the Genome Aggregation Database (gnomAD). Based on the available evidence, this alteration is classified as pathogenic.

NM_018486.3(HDAC8):c.193G>T (p.Glu65Ter)

Gene: HDAC8 (histone deacetylase 8; minus strand). Cytogenetic location: Xq13.1.
Variant type: single nucleotide variant.
Coding change: c.193G>T on transcript NM_018486.3 (MANE Select); coding-DNA position 193, G replaced by T.
Protein change: p.Glu65Ter; replaces glutamic acid 65 with a stop codon.
Molecular consequence: nonsense. On other transcripts: non-coding transcript variant (1), intron variant (3).
Genome position (GRCh38, 1-based): chrX:72,568,856, C>A on the plus strand (G>T on the coding strand, the complement: HDAC8 is on the minus strand). VCF-style: chrX-72568856-C-A. GRCh37 (hg19) VCF-style: chrX-71788706-C-A.
Other names: c.193G>T, p.Glu65Ter (NM_001166419.2, NM_001166420.2, NM_001166422.2 and 4 more transcripts); c.164+3201G>T (NM_001166418.2, NM_001410728.1, NM_001166448.2); short protein forms E65*.
Identifiers: ClinVar variation 3524475 (VCV003524475.1).
Genomic context (GRCh38, chrX:72,568,856, plus strand): 5'-CTTGGCTGACCTTCTGGAGATGCTGCAGATAAGCATCAGTGTGGAAGGTGGCCATCTCCT[C>A]CATGGAGGCCACTTTAGGCTTAACTATCCTAATAATAACAGAGAGAACAAAGAGAGGTCA-3'